The following is an entry in ClinVar:

NM_000836.4(GRIN2D):c.3680G>T (p.Gly1227Val)

Gene: GRIN2D (glutamate ionotropic receptor NMDA type subunit 2D; plus strand). Cytogenetic location: 19q13.33.
Variant type: single nucleotide variant.
Coding change: c.3680G>T on transcript NM_000836.4 (MANE Select); coding-DNA position 3680, G replaced by T.
Protein change: p.Gly1227Val; replaces glycine 1227 with valine.
Molecular consequence: missense variant.
Genome position (GRCh38, 1-based): chr19:48,443,606, G>T. VCF-style: chr19-48443606-G-T. GRCh37 (hg19) VCF-style: chr19-48946863-G-T.
Other names: short protein forms G1227V.
Identifiers: ClinVar variation 3712116 (VCV003712116.2).

ClinVar aggregate classification (germline): Uncertain significance (1 of 4 stars; one submission).

Submission:

Labcorp Genetics (formerly Invitae), Labcorp
Classification: Uncertain significance. Last evaluated: 2024-06-04. Review status: criteria provided, single submitter. Criteria: Invitae Variant Classification Sherloc (09022015). Collection method: clinical testing. Allele origin: germline.
Comment: This sequence change replaces glycine, which is neutral and non-polar, with valine, which is neutral and non-polar, at codon 1227 of the GRIN2D protein (p.Gly1227Val). The frequency data for this variant in the population databases is considered unreliable, as metrics indicate insufficient coverage at this position in the gnomAD database. This variant has not been reported in the literature in individuals affected with GRIN2D-related conditions. Advanced modeling of protein sequence and biophysical properties (such as structural, functional, and spatial information, amino acid conservation, physicochemical variation, residue mobility, and thermodynamic stability) performed at Invitae indicates that this missense variant is not expected to disrupt GRIN2D protein function with a negative predictive value of 95%. In summary, the available evidence is currently insufficient to determine the role of this variant in disease. Therefore, it has been classified as a Variant of Uncertain Significance.